The following is an entry in ClinVar:

ClinVar aggregate classification (germline): Pathogenic. Review status: criteria provided, multiple submitters, no conflicts (2 of 4 stars). 7 submissions from 7 submitters: Pathogenic (6). 1 of the submissions does not count toward it. Last evaluated 2026-01-27.

Conditions:
Hereditary intrinsic factor deficiency (IFD). Also called: Congenital intrinsic factor deficiency; PERNICIOUS ANEMIA, CONGENITAL, DUE TO DEFECT OF INTRINSIC FACTOR. Identifiers: Orphanet 332, MedGen C2062370, MONDO:0009852, OMIM 261000.
CBLIF & GIF-related disorders.

Submissions (7):

Labcorp Genetics (formerly Invitae), Labcorp
Classification: Pathogenic for Hereditary intrinsic factor deficiency. Last evaluated: 2026-01-27. Review status: criteria provided, single submitter. Criteria: Invitae Variant Classification Sherloc (09022015). Collection method: clinical testing. Allele origin: germline.
Comment: This sequence change creates a premature translational stop signal (p.Met61Ilefs*8) in the GIF gene. It is expected to result in an absent or disrupted protein product. Loss-of-function variants in GIF are known to be pathogenic (PMID: 14576042, 22929189). This variant is present in population databases (rs765896727, gnomAD 0.06%). This premature translational stop signal has been observed in individuals with intrinsic factor deficiency (PMID: 14576042, 19036097, 22854512, 22929189). ClinVar contains an entry for this variant (Variation ID: 566919). For these reasons, this variant has been classified as Pathogenic.

Revvity Omics, Revvity
Classification: Pathogenic for Hereditary intrinsic factor deficiency. Last evaluated: 2024-01-22. Review status: criteria provided, single submitter. Criteria: ACMG Guidelines, 2015. Collection method: clinical testing. Allele origin: germline.

Blueprint Genetics
Classification: Pathogenic for CBLIF & GIF-related disorders. Last evaluated: 2023-11-20. Review status: criteria provided, single submitter. Criteria: ACMG Guidelines, 2015. Collection method: clinical testing. Allele origin: germline. Affected: yes. Observed: 2 variant alleles.

GeneDx
Classification: Pathogenic. Last evaluated: 2023-10-02. Review status: criteria provided, single submitter. Criteria: GeneDx Variant Classification Process June 2021. Collection method: clinical testing. Allele origin: germline. Affected: yes.
Comment: Frameshift variant predicted to result in protein truncation or nonsense mediated decay in a gene for which loss of function is a known mechanism of disease; This variant is associated with the following publications: (PMID: 14576042, 22929189, 19036097, 22854512)

Laboratorio de Genetica e Diagnostico Molecular, Hospital Israelita Albert Einstein
Classification: Pathogenic for Hereditary intrinsic factor deficiency. Last evaluated: 2023-04-05. Review status: criteria provided, single submitter. Criteria: ACMG Guidelines, 2015. Collection method: clinical testing. Allele origin: germline. Affected: yes. Observed: 1 variant allele.
Comment: ACMG classification criteria: PVS1 very strong, PM2 supporting, PM3 moderated, PP4

ARUP Laboratories, Molecular Genetics and Genomics, ARUP Laboratories
Classification: Pathogenic. Last evaluated: 2017-09-08. Review status: criteria provided, single submitter. Criteria: ARUP Molecular Germline Variant Investigation Process. Collection method: clinical testing. Allele origin: germline.
Comment: The c.183_186delGAAT; This variant was further observed in three patients of African descent, who were diagnosed with juvenile cobalamin deficiency, whereby parental haplotype analysis indicated a likely founder event of the deletion in the Sub-Saharan West-African lineage (Ament, 2009). Consistent with this study, the c.183_186delGAAT variant is identified on 17 out of 276,970 chromosomes, 14 from the African population, with an overall frequency of 0.006 percent listed in the Genome Aggregation Database (gnomAD). This variant is also reported to the ClinVar database with a pathogenic classification (Variation ID: 1743). Altogether the c.183_186delGAAT is pathogenic.

OMIM
Classification: Pathogenic for INTRINSIC FACTOR DEFICIENCY. Last evaluated: 2005-03-15. Review status: no assertion criteria provided. Collection method: literature only. Allele origin: germline. Not counted in ClinVar's aggregate classification.

Literature cited by the submitters: PubMed 14576042 (cited by Labcorp Genetics (formerly Invitae), Labcorp and OMIM); PubMed 22929189 (cited by Labcorp Genetics (formerly Invitae), Labcorp); PubMed 19036097 (cited by Labcorp Genetics (formerly Invitae), Labcorp); PubMed 22854512 (cited by Labcorp Genetics (formerly Invitae), Labcorp); PubMed 15738392 (cited by OMIM).

NM_005142.3(CBLIF):c.183_186del (p.Met61fs)

Gene: CBLIF (cobalamin binding intrinsic factor; minus strand). Cytogenetic location: 11q12.1.
Variant type: Deletion.
Coding change: c.183_186del on transcript NM_005142.3 (MANE Select); coding-DNA positions 183 to 186, 4 bases deleted (GAAT; older notation c.183_186delGAAT).
Protein change: p.Met61fs; shifts the reading frame from methionine 61.
Molecular consequence: frameshift variant.
Genome position (GRCh38, 1-based): chr11:59,843,949-59,843,952, ATTC deleted on the plus strand (GAAT on the coding strand, the reverse complement: CBLIF is on the minus strand); deleting any 4 consecutive bases within chr11:59,843,949-59,843,954 gives the same sequence; the c. name uses the placement nearest the transcript's 3' end. VCF-style (leftmost placement, unchanged base first): chr11-59843948-GATTC-G. GRCh37 (hg19) VCF-style: chr11-59611421-GATTC-G.
Other names: c.183_186del (NM_005142.2); c.183_186delGAAT (NM_005142.2); short protein forms M61fs.
Identifiers: ClinVar variation 566919 (VCV000566919.21), dbSNP rs765896727, ClinGen allele CA6021658.